The following is an entry in ClinVar:

NM_006493.2(CLN5):c.10_22delAACCTGCGCTTGG (p.Asn4Glyfs)

Gene: CLN5 (CLN5 lysosomal BMP synthase; plus strand). Cytogenetic location: 13q22.3.
Variant type: Deletion.
Coding change: c.10_22delAACCTGCGCTTGG on transcript NM_006493.2; coding-DNA positions 10 to 22, 13 bases deleted (AACCTGCGCTTGG).
Protein change: p.Asn4Glyfs; shifts the reading frame from asparagine 4.
Molecular consequence: frameshift variant.
Genome position (GRCh38, 1-based): chr13:76,991,961-76,991,973, AACCTGCGCTTGG deleted; deleting any 13 consecutive bases within chr13:76,991,959-76,991,973 gives the same sequence; the c. name uses the placement nearest the transcript's 3' end. VCF-style (leftmost placement, unchanged base first): chr13-76991958-CGGAACCTGCGCTT-C. GRCh37 (hg19) VCF-style: chr13-77566093-CGGAACCTGCGCTT-C.
Identifiers: ClinVar variation 2109422 (VCV002109422.4), dbSNP rs2501121895, ClinGen allele CA2580087741.
Genomic context (GRCh38, chr13:76,991,958, plus strand): 5'-CTTCCTGGACTGCAAAGTGTGGAAGCCGCCGCGGGCCGGGCGCGGGGAGGTGTCATGCGC[CGGAACCTGCGCTT>C]GGGGCCAAGCTCTGGAGCTGACGCGCAGGGGCAAGGCGCCCCGCGTCCCGGACTGGCGGC-3'

ClinVar aggregate classification (germline): Uncertain significance (1 of 4 stars; one submission).

Conditions:
Neuronal ceroid lipofuscinosis. Also called: Neuronal Ceroid Lipofuscinoses. Identifiers: Orphanet 216, Orphanet 79263, MedGen C0027877, MONDO:0016295. Disease mechanism: loss of function.

Submission:

Labcorp Genetics (formerly Invitae), Labcorp
Classification: Uncertain significance for Neuronal ceroid lipofuscinosis. Last evaluated: 2022-03-11. Review status: criteria provided, single submitter. Criteria: Invitae Variant Classification Sherloc (09022015). Collection method: clinical testing. Allele origin: germline.
Comment: This variant is not present in population databases (gnomAD no frequency). In summary, the available evidence is currently insufficient to determine the role of this variant in disease. Therefore, it has been classified as a Variant of Uncertain Significance. Experimental studies and prediction algorithms are not available or were not evaluated, and the functional significance of this variant is currently unknown. This variant has not been reported in the literature in individuals affected with CLN5-related conditions. This sequence change creates a premature translational stop signal (p.Asn4Glyfs*42) in the CLN5 gene. This variant occurs in the first exon of CLN5 gene where multiple in-frame downstream methionine residues are present, including a highly conserved in-frame methionine located at codon 50 which may be used as an alternative initiator codon. This variant therefore may not result in nonsense mediated decay.